The following is an entry in ClinVar:

NM_001852.4(COL9A2):c.1289G>T (p.Gly430Val)

Gene: COL9A2 (collagen type IX alpha 2 chain; minus strand). Cytogenetic location: 1p34.2.
Variant type: single nucleotide variant.
Coding change: c.1289G>T on transcript NM_001852.4 (MANE Select); coding-DNA position 1289, G replaced by T.
Protein change: p.Gly430Val; replaces glycine 430 with valine.
Molecular consequence: missense variant.
Genome position (GRCh38, 1-based): chr1:40,304,098, C>A on the plus strand (G>T on the coding strand, the complement: COL9A2 is on the minus strand). VCF-style: chr1-40304098-C-A. GRCh37 (hg19) VCF-style: chr1-40769770-C-A.
Other names: short protein forms G430V.
Identifiers: ClinVar variation 1399343 (VCV001399343.6), dbSNP rs771050195, ClinGen allele CA339880612.

ClinVar aggregate classification (germline): Uncertain significance (1 of 4 stars; one submission).

Allele frequency attached by ClinVar (database versions not stated): TOPMed 0.00001.
gnomAD v4.1: 2 of 1,561,708 alleles (0.00013%); highest among the groups gnomAD compares: African/African-American, 0.0013%; no homozygotes.

Submission:

Labcorp Genetics (formerly Invitae), Labcorp
Classification: Uncertain significance. Last evaluated: 2021-10-13. Review status: criteria provided, single submitter. Criteria: Invitae Variant Classification Sherloc (09022015). Collection method: clinical testing. Allele origin: germline.
Comment: In summary, the available evidence is currently insufficient to determine the role of this variant in disease. Therefore, it has been classified as a Variant of Uncertain Significance. Algorithms developed to predict the effect of sequence changes on RNA splicing suggest that this variant may create or strengthen a splice site. Algorithms developed to predict the effect of missense changes on protein structure and function are either unavailable or do not agree on the potential impact of this missense change (SIFT: "Tolerated"; PolyPhen-2: "Probably Damaging"; Align-GVGD: "Class C0"). This variant has not been reported in the literature in individuals affected with COL9A2-related conditions. This variant is not present in population databases (ExAC no frequency). This sequence change replaces glycine with valine at codon 430 of the COL9A2 protein (p.Gly430Val). The glycine residue is moderately conserved and there is a moderate physicochemical difference between glycine and valine.